The following is an entry in ClinVar:

NM_015450.3(POT1):c.179T>C (p.Leu60Pro)

Gene: POT1 (protection of telomeres 1; minus strand). Cytogenetic location: 7q31.33.
Variant type: single nucleotide variant.
Coding change: c.179T>C on transcript NM_015450.3 (MANE Select); coding-DNA position 179, T replaced by C.
Protein change: p.Leu60Pro; replaces leucine 60 with proline.
Molecular consequence: missense variant. On other transcripts: non-coding transcript variant (3), intron variant (1).
Genome position (GRCh38, 1-based): chr7:124,870,987, A>G on the plus strand (T>C on the coding strand, the complement: POT1 is on the minus strand). VCF-style: chr7-124870987-A-G. GRCh37 (hg19) VCF-style: chr7-124511041-A-G.
Other names: c.-138-7347T>C (NM_001042594.2); short protein forms L60P.
Identifiers: ClinVar variation 3936274 (VCV003936274.1).

ClinVar aggregate classification (germline): Uncertain significance (1 of 4 stars; one submission).

Conditions:
Hereditary cancer-predisposing syndrome. Also called: Tumor predisposition; Hereditary neoplastic syndrome; Hereditary Cancer Syndrome; Neoplastic Syndromes, Hereditary. Identifiers: Orphanet 140162, MedGen C0027672, MeSH D009386, MONDO:0015356.

Submission:

Ambry Genetics
Classification: Uncertain significance for Hereditary cancer-predisposing syndrome. Last evaluated: 2025-03-26. Review status: criteria provided, single submitter. Criteria: Ambry Variant Classification Scheme 2023. Collection method: clinical testing. Allele origin: germline.
Comment: The p.L60P variant (also known as c.179T>C), located in coding exon 3 of the POT1 gene, results from a T to C substitution at nucleotide position 179. The leucine at codon 60 is replaced by proline, an amino acid with similar properties. This amino acid position is conserved. In addition, the in silico prediction for this alteration is inconclusive. Based on the available evidence, the clinical significance of this variant remains unclear.